The following is an entry in ClinVar:

ClinVar aggregate classification (germline): Uncertain significance (1 of 4 stars; one submission).

Conditions:
Epileptic encephalopathy. Identifiers: MedGen C0543888, HP:0200134.

Allele frequency attached by ClinVar (database versions not stated): gnomAD exomes below 0.00001; ExAC 0.00001; TOPMed 0.00001; gnomAD 0.00002 and 0.00003.
gnomAD v4.1: 9 of 1,612,878 alleles (0.00056%); highest among the groups gnomAD compares: Admixed American, 0.0033%; no homozygotes.

Submission:

Labcorp Genetics (formerly Invitae), Labcorp
Classification: Uncertain significance for Epileptic encephalopathy. Last evaluated: 2021-09-01. Review status: criteria provided, single submitter. Criteria: Invitae Variant Classification Sherloc (09022015). Collection method: clinical testing. Allele origin: germline.
Comment: This sequence change replaces arginine with histidine at codon 1384 of the RYR3 protein (p.Arg1384His). The arginine residue is highly conserved and there is a small physicochemical difference between arginine and histidine. This variant is present in population databases (rs746486931, ExAC 0.002%). This variant has not been reported in the literature in individuals affected with RYR3-related conditions. Algorithms developed to predict the effect of missense changes on protein structure and function are either unavailable or do not agree on the potential impact of this missense change (SIFT: "Deleterious"; PolyPhen-2: "Benign"; Align-GVGD: "Class C25"). In summary, the available evidence is currently insufficient to determine the role of this variant in disease. Therefore, it has been classified as a Variant of Uncertain Significance.

NM_001036.6(RYR3):c.4151G>A (p.Arg1384His)

Gene: RYR3 (ryanodine receptor 3; plus strand). Cytogenetic location: 15q14.
Variant type: single nucleotide variant.
Coding change: c.4151G>A on transcript NM_001036.6 (MANE Select); coding-DNA position 4151, G replaced by A.
Protein change: p.Arg1384His; replaces arginine 1384 with histidine.
Molecular consequence: missense variant.
Genome position (GRCh38, 1-based): chr15:33,652,726, G>A. VCF-style: chr15-33652726-G-A. GRCh37 (hg19) VCF-style: chr15-33944927-G-A.
Other names: c.4151G>A, p.Arg1384His (NM_001243996.4); short protein forms R1384H.
Identifiers: ClinVar variation 531045 (VCV000531045.6), dbSNP rs746486931, ClinGen allele CA7458920.